The following is an entry in ClinVar:

NM_002485.5(NBN):c.854G>T (p.Cys285Phe)

Gene: NBN (nibrin; minus strand). Cytogenetic location: 8q21.3.
Variant type: single nucleotide variant.
Coding change: c.854G>T on transcript NM_002485.5 (MANE Select); coding-DNA position 854, G replaced by T.
Protein change: p.Cys285Phe; replaces cysteine 285 with phenylalanine.
Molecular consequence: missense variant.
Genome position (GRCh38, 1-based): chr8:89,970,406, C>A on the plus strand (G>T on the coding strand, the complement: NBN is on the minus strand). VCF-style: chr8-89970406-C-A. GRCh37 (hg19) VCF-style: chr8-90982634-C-A.
Other names: c.608G>T, p.Cys203Phe (NM_001024688.3); short protein forms C285F, C203F.
Identifiers: ClinVar variation 1763820 (VCV001763820.2), dbSNP rs863224715, ClinGen allele CA371658379.

ClinVar aggregate classification (germline): Uncertain significance (1 of 4 stars; one submission).

Conditions:
Hereditary cancer-predisposing syndrome. Also called: Neoplastic Syndromes, Hereditary; Tumor predisposition; Hereditary Cancer Syndrome; Hereditary neoplastic syndrome. Identifiers: Orphanet 140162, MedGen C0027672, MeSH D009386, MONDO:0015356.

Submission:

Ambry Genetics
Classification: Uncertain significance for Hereditary cancer-predisposing syndrome. Last evaluated: 2021-03-05. Review status: criteria provided, single submitter. Criteria: Ambry Variant Classification Scheme 2023. Collection method: clinical testing. Allele origin: germline.
Comment: The p.C285F variant (also known as c.854G>T), located in coding exon 7 of the NBN gene, results from a G to T substitution at nucleotide position 854. The cysteine at codon 285 is replaced by phenylalanine, an amino acid with highly dissimilar properties. This amino acid position is poorly conserved in available vertebrate species. In addition, this alteration is predicted to be tolerated by in silico analysis. Since supporting evidence is limited at this time, the clinical significance of this alteration remains unclear.